The following is an entry in ClinVar:

NM_000126.4(ETFA):c.882+5T>C

Gene: ETFA (electron transfer flavoprotein subunit alpha; minus strand). Cytogenetic location: 15q24.2.
Variant type: single nucleotide variant.
Coding change: c.882+5T>C on transcript NM_000126.4 (MANE Select); 5 bases into the intron after coding-DNA position 882, T replaced by C.
Molecular consequence: intron variant.
Genome position (GRCh38, 1-based): chr15:76,231,328, A>G on the plus strand (T>C on the coding strand, the complement: ETFA is on the minus strand). VCF-style: chr15-76231328-A-G. GRCh37 (hg19) VCF-style: chr15-76523669-A-G.
Other names: c.735+5T>C (NM_001127716.2).
Identifiers: ClinVar variation 513614 (VCV000513614.6), dbSNP rs377259058, ClinGen allele CA7673586.

ClinVar aggregate classification (germline): Conflicting classifications of pathogenicity. Review status: criteria provided, conflicting classifications (1 of 4 stars). 4 submissions from 4 submitters: Uncertain significance (2); Likely benign (2). Last evaluated 2025-06-01.

Conditions:
Multiple acyl-CoA dehydrogenase deficiency (MADD). Also called: Glutaric aciduria, type 2; ETHYLMALONIC-ADIPICACIDURIA; GA II; Glutaric acidemia type II; GA 2; Glutaric Acidemia type 2. Identifiers: Orphanet 26791, MedGen C0268596, MONDO:0009282, OMIM 231680.

Allele frequency attached by ClinVar (database versions not stated): gnomAD exomes 0.00003 and 0.00010; ExAC 0.00004; TOPMed 0.00006; gnomAD 0.00007; ESP Exome Variant Server 0.00008.
gnomAD v4.1: 159 of 1,576,734 alleles (0.01%); highest among the groups gnomAD compares: Non-Finnish European, 0.013%; no homozygotes.

Submissions (4):

Mayo Clinic Laboratories, Mayo Clinic
Classification: Uncertain significance. Last evaluated: 2025-06-01. Review status: criteria provided, single submitter. Criteria: ACMG Guidelines, 2015. Collection method: clinical testing. Allele origin: germline. Observed: 1 variant allele.

Blueprint Genetics
Classification: Likely benign. Last evaluated: 2024-11-07. Review status: criteria provided, single submitter. Criteria: ACMG Guidelines, 2015. Collection method: clinical testing. Allele origin: germline.

Labcorp Genetics (formerly Invitae), Labcorp
Classification: Uncertain significance for Multiple acyl-CoA dehydrogenase deficiency. Last evaluated: 2022-07-12. Review status: criteria provided, single submitter. Criteria: Invitae Variant Classification Sherloc (09022015). Collection method: clinical testing. Allele origin: germline.
Comment: This sequence change falls in intron 10 of the ETFA gene. It does not directly change the encoded amino acid sequence of the ETFA protein. It affects a nucleotide within the consensus splice site. This variant is present in population databases (rs377259058, gnomAD 0.008%). This variant has not been reported in the literature in individuals affected with ETFA-related conditions. ClinVar contains an entry for this variant (Variation ID: 513614). Variants that disrupt the consensus splice site are a relatively common cause of aberrant splicing (PMID: 17576681, 9536098). Algorithms developed to predict the effect of sequence changes on RNA splicing suggest that this variant is not likely to affect RNA splicing. In summary, the available evidence is currently insufficient to determine the role of this variant in disease. Therefore, it has been classified as a Variant of Uncertain Significance.

GeneDx
Classification: Likely benign. Last evaluated: 2017-12-08. Review status: criteria provided, single submitter. Criteria: GeneDx Variant Classification (06012015). Collection method: clinical testing. Allele origin: germline. Affected: yes.
Comment: This variant is considered likely benign or benign based on one or more of the following criteria: it is a conservative change, it occurs at a poorly conserved position in the protein, it is predicted to be benign by multiple in silico algorithms, and/or has population frequency not consistent with disease.

Literature cited by the submitters: PubMed 17576681 (cited by Labcorp Genetics (formerly Invitae), Labcorp); PubMed 9536098 (cited by Labcorp Genetics (formerly Invitae), Labcorp).